The following is an entry in ClinVar:

ClinVar aggregate classification (germline): Uncertain significance. Review status: criteria provided, multiple submitters, no conflicts (2 of 4 stars). 3 submissions from 3 submitters: Uncertain significance (3). Last evaluated 2025-06-15.

Conditions:
Familial adenomatous polyposis 1 (FAP1). Also called: POLYPOSIS, ADENOMATOUS INTESTINAL; FAMILIAL ADENOMATOUS POLYPOSIS 1, ATTENUATED. Identifiers: MedGen C2713442, MONDO:0021056, OMIM 175100. Disease mechanism: loss of function.
Hereditary cancer-predisposing syndrome. Also called: Hereditary neoplastic syndrome; Neoplastic Syndromes, Hereditary; Hereditary Cancer Syndrome; Tumor predisposition. Identifiers: Orphanet 140162, MedGen C0027672, MeSH D009386, MONDO:0015356.

Submissions (3):

Labcorp Genetics (formerly Invitae), Labcorp
Classification: Uncertain significance for Familial adenomatous polyposis 1. Last evaluated: 2025-06-15. Review status: criteria provided, single submitter. Criteria: Invitae Variant Classification Sherloc (09022015). Collection method: clinical testing. Allele origin: germline.
Comment: This sequence change replaces proline, which is neutral and non-polar, with leucine, which is neutral and non-polar, at codon 2536 of the APC protein (p.Pro2536Leu). This variant is not present in population databases (gnomAD no frequency). This variant has not been reported in the literature in individuals affected with APC-related conditions. ClinVar contains an entry for this variant (Variation ID: 658612). Invitae Evidence Modeling of protein sequence and biophysical properties (such as structural, functional, and spatial information, amino acid conservation, physicochemical variation, residue mobility, and thermodynamic stability) indicates that this missense variant is not expected to disrupt APC protein function with a negative predictive value of 95%. In summary, the available evidence is currently insufficient to determine the role of this variant in disease. Therefore, it has been classified as a Variant of Uncertain Significance.

Color Diagnostics, LLC DBA Color Health
Classification: Uncertain significance for Hereditary cancer-predisposing syndrome. Last evaluated: 2025-06-03. Review status: criteria provided, single submitter. Criteria: ACMG Guidelines, 2015. Collection method: clinical testing. Allele origin: germline.
Comment: This missense variant replaces proline with leucine at codon 2536 of the APC protein. Computational prediction suggests that this variant may have deleterious impact on protein structure and function. To our knowledge, functional studies have not been reported for this variant. This variant has not been reported in individuals affected with APC-related disorders in the literature. This variant has not been identified in the general population by the Genome Aggregation Database (gnomAD). The available evidence is insufficient to determine the role of this variant in disease conclusively. Therefore, this variant is classified as a Variant of Uncertain Significance.

Ambry Genetics
Classification: Uncertain significance for Hereditary cancer-predisposing syndrome. Last evaluated: 2025-01-23. Review status: criteria provided, single submitter. Criteria: Ambry Variant Classification Scheme 2023. Collection method: clinical testing. Allele origin: germline.
Comment: The p.P2536L variant (also known as c.7607C>T), located in coding exon 15 of the APC gene, results from a C to T substitution at nucleotide position 7607. The proline at codon 2536 is replaced by leucine, an amino acid with similar properties. This amino acid position is well conserved in available vertebrate species. In addition, in silico predictors for this gene do not accurately predict pathogenicity. Missense alterations in APC are not a common cause of disease (Spier I et al. Genet Med. 2024 Feb;26(2):100992). Based on the available evidence, the clinical significance of this variant remains unclear.

NM_000038.6(APC):c.7607C>T (p.Pro2536Leu)

Gene: APC (APC regulator of Wnt signaling pathway; plus strand). Cytogenetic location: 5q22.2.
Variant type: single nucleotide variant.
Coding change: c.7607C>T on transcript NM_000038.6 (MANE Select); coding-DNA position 7607, C replaced by T.
Protein change: p.Pro2536Leu; replaces proline 2536 with leucine.
Molecular consequence: missense variant.
Genome position (GRCh38, 1-based): chr5:112,843,201, C>T. VCF-style: chr5-112843201-C-T. GRCh37 (hg19) VCF-style: chr5-112178898-C-T.
Other names: c.7607C>T, p.Pro2536Leu (NM_001127510.3, NM_001354895.2); c.7553C>T, p.Pro2518Leu (NM_001127511.3); c.7661C>T, p.Pro2554Leu (NM_001354896.2); c.7637C>T, p.Pro2546Leu (NM_001354897.2); c.7532C>T, p.Pro2511Leu (NM_001354898.2); c.7523C>T, p.Pro2508Leu (NM_001354899.2); c.7484C>T, p.Pro2495Leu (NM_001354900.2); c.7430C>T, p.Pro2477Leu (NM_001354901.2); and 5 more; short protein forms P2435L, P2376L, P2410L, P2477L, P2508L, P2518L, P2536L, P2495L.
Identifiers: ClinVar variation 658612 (VCV000658612.11), dbSNP rs1561617002, ClinGen allele CA16037860.
Genomic context (GRCh38, chr5:112,843,201, plus strand): 5'-AGTATAATGATGGAAGACCAGCAAAGCGCCATGATATTGCACGGTCTCATTCTGAAAGTC[C>T]TTCTAGACTTCCAATCAATAGGTCAGGAACCTGGAAACGTGAGCACAGCAAACATTCATC-3'
Protein context (NP_000029.2, residues 2526-2546): HDIARSHSES[Pro2536Leu]SRLPINRSGT